The following is an entry in ClinVar:

NM_014363.6(SACS):c.1844_1845del (p.Thr615fs)

Gene: SACS (sacsin molecular chaperone; minus strand). Cytogenetic location: 13q12.12.
Variant type: Microsatellite.
Coding change: c.1844_1845del on transcript NM_014363.6 (MANE Select); coding-DNA positions 1844 to 1845, 2 bases deleted (CA; older notation c.1844_1845delCA).
Protein change: p.Thr615fs; shifts the reading frame from threonine 615.
Molecular consequence: frameshift variant.
Genome position (GRCh38, 1-based): chr13:23,354,767-23,354,768, TG deleted on the plus strand (CA on the coding strand, the reverse complement: SACS is on the minus strand); deleting any 2 consecutive bases within chr13:23,354,767-23,354,770 gives the same sequence; the c. name uses the placement nearest the transcript's 3' end. VCF-style (leftmost placement, unchanged base first): chr13-23354766-CTG-C. GRCh37 (hg19) VCF-style: chr13-23928905-CTG-C.
Other names: c.1403_1404del, p.Thr468fs (NM_001278055.2); short protein forms T468fs, T615fs.
Identifiers: ClinVar variation 1455756 (VCV001455756.7), dbSNP rs2137718161, ClinGen allele CA2580614631.
Genomic context (GRCh38, chr13:23,354,766, plus strand): 5'-GCAGCACCTGCCGCACCCACGCGGGCGTCACCTTCCTCACAGGTGTTGTGCCAGAGGCAG[CTG>C]TGAGCTGAACAGCAGCATCCACATTCCCTGGTACCTTGGCAATCTGCTTCCCTGAGCTCT-3'

ClinVar aggregate classification (germline): Pathogenic/Likely pathogenic. Review status: criteria provided, multiple submitters, no conflicts (2 of 4 stars). 2 submissions from 2 submitters: Pathogenic (1); Likely pathogenic (1). Last evaluated 2021-06-01.

Conditions:
SACS-related disorder. Also called: SACS-related condition.
Spastic paraplegia. Identifiers: MedGen C0037772, HP:0001258.

Submissions (2):

Blueprint Genetics
Classification: Likely pathogenic for SACS-related disorders. Last evaluated: 2021-06-01. Review status: criteria provided, single submitter. Criteria: ACMG Guidelines, 2015. Collection method: clinical testing. Allele origin: germline. Affected: yes. Observed: 1 variant allele.

Labcorp Genetics (formerly Invitae), Labcorp
Classification: Pathogenic for Spastic paraplegia. Last evaluated: 2021-02-16. Review status: criteria provided, single submitter. Criteria: Invitae Variant Classification Sherloc (09022015). Collection method: clinical testing. Allele origin: germline.
Comment: For these reasons, this variant has been classified as Pathogenic. This variant has not been reported in the literature in individuals with SACS-related conditions. This variant is not present in population databases (ExAC no frequency). This sequence change creates a premature translational stop signal (p.Thr615Serfs*30) in the SACS gene. It is expected to result in an absent or disrupted protein product. Loss-of-function variants in SACS are known to be pathogenic (PMID: 18465152, 20876471).

Literature cited by the submitters: PubMed 18465152 (cited by Labcorp Genetics (formerly Invitae), Labcorp); PubMed 20876471 (cited by Labcorp Genetics (formerly Invitae), Labcorp).